The following is an entry in ClinVar:

ClinVar aggregate classification (germline): Uncertain significance (1 of 4 stars; one submission).

Submission:

CeGaT Center for Human Genetics Tuebingen
Classification: Uncertain significance. Last evaluated: 2022-07-01. Review status: criteria provided, single submitter. Criteria: CeGaT Center For Human Genetics Tuebingen Variant Classification Criteria Version 2. Collection method: clinical testing. Allele origin: germline. Affected: yes. Observed: 1 variant allele.
Comment: WASF1: PM2

NM_003931.3(WASF1):c.776A>G (p.Gln259Arg)

Gene: WASF1 (WASP family member 1; minus strand). Cytogenetic location: 6q21.
Variant type: single nucleotide variant.
Coding change: c.776A>G on transcript NM_003931.3 (MANE Select); coding-DNA position 776, A replaced by G.
Protein change: p.Gln259Arg; replaces glutamine 259 with arginine.
Molecular consequence: missense variant.
Genome position (GRCh38, 1-based): chr6:110,103,495, T>C on the plus strand (A>G on the coding strand, the complement: WASF1 is on the minus strand). VCF-style: chr6-110103495-T-C. GRCh37 (hg19) VCF-style: chr6-110424698-T-C.
Other names: c.776A>G, p.Gln259Arg (NM_001024934.2, NM_001024935.2, NM_001024936.2); short protein forms Q259R.
Identifiers: ClinVar variation 2656840 (VCV002656840.24), dbSNP rs2534216099, ClinGen allele CA365350529.
Genomic context (GRCh38, chr6:110,103,495, plus strand): 5'-GGTGGTTCATGTGGTCTGACTAATACCCTTTCCTCAGCTCTAGTCAGAAGCTCACTCATC[T>C]GACTAAATGGCAAGGCAGAAAGTGAGTAAGATCCATCCATATGATCCACGTATGTCTGAG-3'
Protein context (NP_003922.1, residues 249-269): SYSLSALPFS[Gln259Arg]MSELLTRAEE